The following is an entry in ClinVar:

ClinVar aggregate classification (germline): Pathogenic/Likely pathogenic. Review status: criteria provided, multiple submitters, no conflicts (2 of 4 stars). 4 submissions from 4 submitters: Pathogenic (3); Likely pathogenic (1). Last evaluated 2025-10-31.

Conditions:
Inborn genetic diseases. Identifiers: MedGen C0950123, MeSH D030342.
DDX41-related hematologic malignancy predisposition syndrome. Also called: Myeloproliferative/lymphoproliferative neoplasms, familial (multiple types), susceptibility to; DDX41-Associated Familial Myelodysplastic Syndrome and Acute Myeloid Leukemia. Identifiers: Orphanet 488647, MedGen C4225174, MONDO:0014809, OMIM 616871.

Allele frequency attached by ClinVar (database versions not stated): gnomAD 0.00002.
gnomAD v4.1: 14 of 1,614,024 alleles (0.00087%); highest among the groups gnomAD compares: African/African-American, 0.0027%; no homozygotes.

Submissions (4):

Institute for Genomic Medicine (IGM) Clinical Laboratory, Nationwide Children's Hospital
Classification: Likely pathogenic for DDX41-related hematologic malignancy predisposition syndrome. Last evaluated: 2025-10-31. Review status: criteria provided, single submitter. Criteria: ACMG Guidelines, 2015. Collection method: clinical testing. Allele origin: germline.
Comment: This variant is predicted to result in loss of function through nonsense-mediated decay of the encoded transcript or premature truncation of the encoded protein in a gene in which loss of function is a known mechanism of disease (ACMG/AMP: PVS1; PMIDs:25920683, 26712909, 35671390). This variant is absent from or present at an exceedingly low frequency in gnomAD, a large-scale control population database (ACMG/AMP: PM2).

Labcorp Genetics (formerly Invitae), Labcorp
Classification: Pathogenic. Last evaluated: 2025-09-06. Review status: criteria provided, single submitter. Criteria: Invitae Variant Classification Sherloc (09022015). Collection method: clinical testing. Allele origin: germline.
Comment: This sequence change creates a premature translational stop signal (p.Arg369*) in the DDX41 gene. It is expected to result in an absent or disrupted protein product. Loss-of-function variants in DDX41 are known to be pathogenic (PMID: 26712909, 27133828). This variant is present in population databases (rs747672157, gnomAD 0.008%). This premature translational stop signal has been observed in individual(s) with clinical features of DDX41-related disease (PMID: 30963592, 33585199). ClinVar contains an entry for this variant (Variation ID: 1693456). Algorithms developed to predict the effect of sequence changes on RNA splicing suggest that this variant may disrupt the consensus splice site. For these reasons, this variant has been classified as Pathogenic.

Ambry Genetics
Classification: Pathogenic for Inborn genetic diseases. Last evaluated: 2025-03-21. Review status: criteria provided, single submitter. Criteria: Ambry Variant Classification Scheme 2023. Collection method: clinical testing. Allele origin: germline.
Comment: The p.R369* pathogenic mutation (also known as c.1105C>T), located in coding exon 11 of the DDX41 gene, results from a C to T substitution at nucleotide position 1105. This changes the amino acid from an arginine to a stop codon within coding exon 11. This alteration is expected to result in loss of function by premature protein truncation or nonsense-mediated mRNA decay. As such, this alteration is interpreted as a disease-causing mutation.

GeneDx
Classification: Pathogenic. Last evaluated: 2024-05-23. Review status: criteria provided, single submitter. Criteria: GeneDx Variant Classification Process June 2021. Collection method: clinical testing. Allele origin: germline. Affected: yes.
Comment: Nonsense variant predicted to result in protein truncation or nonsense mediated decay in a gene for which loss-of-function is a known mechanism of disease; Not observed at significant frequency in large population cohorts (gnomAD); In silico analysis suggests this variant may impact gene splicing. In the absence of RNA/functional studies, the actual effect of this sequence change is unknown.; This variant is associated with the following publications: (PMID: 33585199, 35671390, 37506341, 33929502, 30963592, 37665752, 35443031)

Literature cited by the submitters: PubMed 25920683 (cited by Institute for Genomic Medicine (IGM) Clinical Laboratory, Nationwide Children's Hospital); PubMed 26712909 (cited by Institute for Genomic Medicine (IGM) Clinical Laboratory, Nationwide Children's Hospital and Labcorp Genetics (formerly Invitae), Labcorp); PubMed 35671390 (cited by Institute for Genomic Medicine (IGM) Clinical Laboratory, Nationwide Children's Hospital); PubMed 27133828 (cited by Labcorp Genetics (formerly Invitae), Labcorp); PubMed 30963592 (cited by Labcorp Genetics (formerly Invitae), Labcorp); PubMed 33585199 (cited by Labcorp Genetics (formerly Invitae), Labcorp).

NM_016222.4(DDX41):c.1105C>T (p.Arg369Ter)

Gene: DDX41 (DEAD-box helicase 41; minus strand). Cytogenetic location: 5q35.3.
Variant type: single nucleotide variant.
Coding change: c.1105C>T on transcript NM_016222.4 (MANE Select); coding-DNA position 1105, C replaced by T.
Protein change: p.Arg369Ter; replaces arginine 369 with a stop codon.
Molecular consequence: nonsense.
Genome position (GRCh38, 1-based): chr5:177,513,478, G>A on the plus strand (C>T on the coding strand, the complement: DDX41 is on the minus strand). VCF-style: chr5-177513478-G-A. GRCh37 (hg19) VCF-style: chr5-176940479-G-A.
Other names: c.727C>T, p.Arg243Ter (NM_001321732.2, NM_001321830.2); short protein forms R243*, R369*.
Identifiers: ClinVar variation 1693456 (VCV001693456.9), dbSNP rs747672157, ClinGen allele CA3584879.
Genomic context (GRCh38, chr5:177,513,478, plus strand): 5'-CACTCTTAGCAAAGTTCTGAATCTTCTTCGGCATGGTGGCACTGAAGAGCAGGGTCTGTC[G>A]CTGGCCCTGAGGAAGAGGGGGGCTGCGACCAAGGGCACACAGGGCTGGGCTGAGGGGCAT-3'